The following is an entry in ClinVar:

ClinVar aggregate classification (germline): Uncertain significance (1 of 4 stars; one submission).

Conditions:
Immunodeficiency 39 (IMD39). Identifiers: Orphanet 574918, MedGen C4225358, MONDO:0014597, OMIM 616345.

Allele frequency attached by ClinVar (database versions not stated): ExAC 0.00001; gnomAD 0.00001.

Submission:

Labcorp Genetics (formerly Invitae), Labcorp
Classification: Uncertain significance for Immunodeficiency 39. Last evaluated: 2025-11-27. Review status: criteria provided, single submitter. Criteria: Invitae Variant Classification Sherloc (09022015). Collection method: clinical testing. Allele origin: germline.
Comment: This sequence change falls in intron 6 of the IRF7 gene. It does not directly change the encoded amino acid sequence of the IRF7 protein. This variant is present in population databases (rs748018872, gnomAD 0.02%). This variant has not been reported in the literature in individuals affected with IRF7-related conditions. ClinVar contains an entry for this variant (Variation ID: 2901959). Algorithms developed to predict the effect of sequence changes on RNA splicing suggest that this variant may disrupt the consensus splice site. In summary, the available evidence is currently insufficient to determine the role of this variant in disease. Therefore, it has been classified as a Variant of Uncertain Significance.

NM_001572.5(IRF7):c.848-13G>A

Gene: IRF7 (interferon regulatory factor 7; minus strand). Cytogenetic location: 11p15.5.
Variant type: single nucleotide variant.
Coding change: c.848-13G>A on transcript NM_001572.5 (MANE Select); 13 bases into the intron before coding-DNA position 848, G replaced by A.
Molecular consequence: intron variant.
Genome position (GRCh38, 1-based): chr11:613,608, C>T on the plus strand (G>A on the coding strand, the complement: IRF7 is on the minus strand). VCF-style: chr11-613608-C-T. GRCh37 (hg19) VCF-style: chr11-613608-C-T.
Other names: c.761-13G>A (NM_004029.4); c.887-13G>A (NM_004031.4).
Identifiers: ClinVar variation 2901959 (VCV002901959.3), dbSNP rs748018872, ClinGen allele CA5783662.